The following is an entry in ClinVar:

NM_025137.4(SPG11):c.2317G>T (p.Val773Phe)

Gene: SPG11 (SPG11 vesicle trafficking associated, spatacsin; minus strand). Cytogenetic location: 15q21.1.
Variant type: single nucleotide variant.
Coding change: c.2317G>T on transcript NM_025137.4 (MANE Select); coding-DNA position 2317, G replaced by T.
Protein change: p.Val773Phe; replaces valine 773 with phenylalanine.
Molecular consequence: missense variant.
Genome position (GRCh38, 1-based): chr15:44,622,347, C>A on the plus strand (G>T on the coding strand, the complement: SPG11 is on the minus strand). VCF-style: chr15-44622347-C-A. GRCh37 (hg19) VCF-style: chr15-44914545-C-A.
Other names: c.2317G>T, p.Val773Phe (NM_001160227.2); short protein forms V773F.
Identifiers: ClinVar variation 1010524 (VCV001010524.6), dbSNP rs766696581, ClinGen allele CA392232108.

ClinVar aggregate classification (germline): Uncertain significance (1 of 4 stars; one submission).

Conditions:
Hereditary spastic paraplegia 11. Also called: SPASTIC PARAPLEGIA, AUTOSOMAL RECESSIVE, COMPLICATED, WITH THIN CORPUS CALLOSUM; SPASTIC PARAPLEGIA, AUTOSOMAL RECESSIVE, WITH MENTAL IMPAIRMENT AND THIN CORPUS CALLOSUM; Spastic Paraplegia 11; Spastic paraplegia, mental retardation and thin corpus callosum; Nakamura Osame syndrome; Autosomal recessive hereditary spastic paraplegia, mental impairment, and thin corpus callosum. Identifiers: Orphanet 2822, MedGen C1858479, MONDO:0011445, OMIM 604360.

Submission:

Labcorp Genetics (formerly Invitae), Labcorp
Classification: Uncertain significance for Hereditary spastic paraplegia 11. Last evaluated: 2020-07-08. Review status: criteria provided, single submitter. Criteria: Invitae Variant Classification Sherloc (09022015). Collection method: clinical testing. Allele origin: germline.
Comment: This sequence change replaces valine with phenylalanine at codon 773 of the SPG11 protein (p.Val773Phe). The valine residue is highly conserved and there is a small physicochemical difference between valine and phenylalanine. This variant is not present in population databases (ExAC no frequency). This variant has not been reported in the literature in individuals with SPG11-related conditions. Algorithms developed to predict the effect of missense changes on protein structure and function are either unavailable or do not agree on the potential impact of this missense change (SIFT: "Deleterious"; PolyPhen-2: "Probably Damaging"; Align-GVGD: "Class C0"). Algorithms developed to predict the effect of sequence changes on RNA splicing suggest that this variant may disrupt the consensus splice site, but this prediction has not been confirmed by published transcriptional studies. In summary, the available evidence is currently insufficient to determine the role of this variant in disease. Therefore, it has been classified as a Variant of Uncertain Significance.